The following is an entry in ClinVar:

ClinVar aggregate classification (germline): Uncertain significance (1 of 4 stars; one submission).

Conditions:
Cardiovascular phenotype. Identifiers: MedGen CN230736.

gnomAD v4.1: 1 of 1,613,994 alleles (0.000062%); highest among the groups gnomAD compares: East Asian, 0.0022%; no homozygotes.

Submission:

Ambry Genetics
Classification: Uncertain significance for Cardiovascular phenotype. Last evaluated: 2024-03-27. Review status: criteria provided, single submitter. Criteria: Ambry Variant Classification Scheme 2023. Collection method: clinical testing. Allele origin: germline.
Comment: The p.G124R variant (also known as c.370G>A), located in coding exon 3 of the LAMA4 gene, results from a G to A substitution at nucleotide position 370. The glycine at codon 124 is replaced by arginine, an amino acid with dissimilar properties. This amino acid position is conserved. In addition, the in silico prediction for this alteration is inconclusive. Based on the available evidence, the clinical significance of this alteration remains unclear.

NM_001105206.3(LAMA4):c.370G>A (p.Gly124Arg)

Gene: LAMA4 (laminin subunit alpha 4; minus strand). Cytogenetic location: 6q21.
Variant type: single nucleotide variant.
Coding change: c.370G>A on transcript NM_001105206.3 (MANE Select); coding-DNA position 370, G replaced by A.
Protein change: p.Gly124Arg; replaces glycine 124 with arginine.
Molecular consequence: missense variant.
Genome position (GRCh38, 1-based): chr6:112,207,073, C>T on the plus strand (G>A on the coding strand, the complement: LAMA4 is on the minus strand). VCF-style: chr6-112207073-C-T. GRCh37 (hg19) VCF-style: chr6-112528274-C-T.
Other names: c.370G>A, p.Gly124Arg (NM_001105207.3, NM_002290.5); short protein forms G124R.
Identifiers: ClinVar variation 2608113 (VCV002608113.3), dbSNP rs782530521, ClinGen allele CA365380968.